The following is an entry in ClinVar:

ClinVar aggregate classification (germline): Benign. Review status: criteria provided, multiple submitters, no conflicts (2 of 4 stars). 2 submissions from 2 submitters: Benign (2). Last evaluated 2024-07-31.

Allele frequency attached by ClinVar (database versions not stated): TOPMed 0.65254; gnomAD 0.65955 and 0.67041; ESP Exome Variant Server 0.66132; 1000 Genomes Project 30x 0.69566; 1000 Genomes Project 0.70627.
gnomAD v4.1: 1,159,421 of 1,590,556 alleles (73%); highest among the groups gnomAD compares: South Asian, 86%; 427,057 homozygotes.

Submissions (2):

Unidad de Genómica Garrahan, Hospital de Pediatría Garrahan
Classification: Benign. Last evaluated: 2024-07-31. Review status: criteria provided, single submitter. Criteria: ACMG Guidelines, 2015. Collection method: clinical testing. Allele origin: germline. Affected: no. Observed: 84 variant alleles.
Comment: This variant is classified as Benign based on local population frequency. This variant was detected in 90% of patients studied in a panel designed for Epileptic and Developmental Encephalopathy, Progressive Myoclonus Epilepsy and Abnormal Movements and Neurodegeneration with brain iron accumulation. Number of patients: 84. Only high quality variants are reported.

GeneDx
Classification: Benign. Last evaluated: 2018-06-23. Review status: criteria provided, single submitter. Criteria: GeneDx Variant Classification Process June 2021. Collection method: clinical testing. Allele origin: germline. Affected: yes.

NM_020442.6(VARS2):c.2038-52A>G

Genes: VARS2 (valyl-tRNA synthetase 2, mitochondrial; plus strand), LOC126859646 (MED14-independent group 3 enhancer GRCh37_chr6:30889690-30890889; plus strand). Cytogenetic location: 6p21.33.
Variant type: single nucleotide variant.
Coding change: c.2038-52A>G on transcript NM_020442.6 (MANE Select); 52 bases into the intron before coding-DNA position 2038, A replaced by G.
Molecular consequence: intron variant.
Genome position (GRCh38, 1-based): chr6:30,922,654, A>G. VCF-style: chr6-30922654-A-G. GRCh37 (hg19) VCF-style: chr6-30890431-A-G.
Other names: c.2128-52A>G (NM_001167734.2); c.1618-52A>G (NM_001167733.3).
Identifiers: ClinVar variation 1244612 (VCV001244612.4), dbSNP rs885905, ClinGen allele CA12186954.
Genomic context (GRCh38, chr6:30,922,654, plus strand): 5'-GGTTTGCAGGAGAGAGGAAGGCAGGCTGAGGGAGGAGTGAGGCCAGCAGGTGTGACCCTT[A>G]TAGAGGCAGGGCCTTCGACCTGGGTCGTGAATTGCCCCCTTCCATCCCCAGGTGCTGCAG-3'